The following is an entry in ClinVar:

ClinVar aggregate classification (germline): Conflicting classifications of pathogenicity. Review status: criteria provided, conflicting classifications (1 of 4 stars). 3 submissions from 3 submitters: Uncertain significance (2); Likely benign (1). Last evaluated 2022-12-01.

Conditions:
Kufor-Rakeb syndrome (KRS). Also called: PARKINSON DISEASE 9, AUTOSOMAL RECESSIVE, JUVENILE-ONSET. Identifiers: Orphanet 306674, Orphanet 314632, MedGen C1847640, MONDO:0011706, OMIM 606693.
Autosomal recessive spastic paraplegia type 78. Identifiers: Orphanet 513436, MedGen C5567893, MONDO:0014975, OMIM 617225.

Allele frequency attached by ClinVar (database versions not stated): gnomAD 0.00004; TOPMed 0.00005; gnomAD exomes 0.00007 and 0.00008; ExAC 0.00018.

Submissions (3):

CeGaT Center for Human Genetics Tuebingen
Classification: Likely benign. Last evaluated: 2022-12-01. Review status: criteria provided, single submitter. Criteria: CeGaT Center For Human Genetics Tuebingen Variant Classification Criteria Version 2. Collection method: clinical testing. Allele origin: germline. Affected: yes. Observed: 1 variant allele.
Comment: ATP13A2: BP4, BP7

Fulgent Genetics
Classification: Uncertain significance for Kufor-Rakeb syndrome; Autosomal recessive spastic paraplegia type 78. Last evaluated: 2021-07-01. Review status: criteria provided, single submitter. Criteria: ACMG Guidelines, 2015. Collection method: clinical testing. Allele origin: unknown.

Illumina Laboratory Services, Illumina
Classification: Uncertain significance for Kufor-Rakeb syndrome. Last evaluated: 2018-01-13. Review status: criteria provided, single submitter. Criteria: ICSL Variant Classification Criteria 13 December 2019. Collection method: clinical testing. Allele origin: germline.

NM_022089.4(ATP13A2):c.*155C>T

Gene: ATP13A2 (ATPase cation transporting 13A2; minus strand). Cytogenetic location: 1p36.13.
Variant type: single nucleotide variant.
Coding change: c.*155C>T on transcript NM_022089.4 (MANE Select); 155 bases downstream of the stop codon, C replaced by T.
Molecular consequence: 3 prime UTR variant. On other transcripts: synonymous variant (1).
Genome position (GRCh38, 1-based): chr1:16,986,066, G>A on the plus strand (C>T on the coding strand, the complement: ATP13A2 is on the minus strand). VCF-style: chr1-16986066-G-A. GRCh37 (hg19) VCF-style: chr1-17312561-G-A.
Other names: c.*155C>T (NM_001141973.3); c.3396C>T, p.Ser1132= (NM_001141974.3).
Identifiers: ClinVar variation 293761 (VCV000293761.30), dbSNP rs762111359, ClinGen allele CA636415.